The following is an entry in ClinVar:

ClinVar aggregate classification (germline): Likely pathogenic. Review status: criteria provided, multiple submitters, no conflicts (2 of 4 stars). 3 submissions from 3 submitters: Likely pathogenic (3). Last evaluated 2024-04-08.

Conditions:
Autosomal recessive congenital ichthyosis 1 (LI1). Also called: COLLODION FETUS; DESQUAMATION OF NEWBORN; ICHTHYOSIS CONGENITA; ICHTHYOSIS CONGENITA II; LAMELLAR EXFOLIATION OF NEWBORN; ICHTHYOSIS, CONGENITAL, AUTOSOMAL RECESSIVE 1, WITH OR WITHOUT BATHING SUIT DISTRIBUTION. Identifiers: MedGen C4551630, MONDO:0009441, OMIM 242300.
Lamellar ichthyosis. Identifiers: Orphanet 313, MedGen C5848247, MONDO:0017778.

Allele frequency attached by ClinVar (database versions not stated): gnomAD exomes below 0.00001; ExAC 0.00001.
gnomAD v4.1: 3 of 1,613,894 alleles (0.00019%); highest among the groups gnomAD compares: Non-Finnish European, 0.00025%; no homozygotes.

Submissions (3):

Natera, Inc.
Classification: Likely pathogenic for Autosomal recessive congenital ichthyosis type 1. Last evaluated: 2024-04-08. Review status: criteria provided, single submitter. Criteria: Natera Variant Classification Schema (03/2026). Collection method: clinical testing. Allele origin: germline.
Comment: The c.814T>C variant in TGM1 is a missense variant predicted to cause substitution of serine to proline at amino acid 272. This variant is rare in the general population with a frequency below the threshold expected for the associated phenotype(s). This variant has been observed in one or more individuals affected with the associated recessive disease, as either homozygous or compound heterozygous with a second variant (PMID: 23096117, 26762237, 11348475). Given the available evidence, this variant is classified as Likely Pathogenic.

Women's Health and Genetics/Laboratory Corporation of America, LabCorp
Classification: Likely pathogenic for Lamellar ichthyosis. Last evaluated: 2023-07-27. Review status: criteria provided, single submitter. Criteria: LabCorp Variant Classification Summary - May 2015. Collection method: clinical testing. Allele origin: germline.
Comment: Variant summary: TGM1 c.814T>C (p.Ser272Pro) results in a non-conservative amino acid change in the encoded protein sequence. Three of five in-silico tools predict a benign effect of the variant on protein function. The variant allele was found at a frequency of 4e-06 in 251436 control chromosomes. c.814T>C has been reported in the literature in individuals affected with Lamellar Ichthyosis including being in trans along with a pathogenic splice variant in TGM1 and being at a homozygous state (examples: Esposito_2001,2013, Diociaiuti_2016, Terrinoni_2012). These data indicate that the variant may be associated with disease. To our knowledge, no experimental evidence demonstrating an impact on protein function has been reported. The following publications have been ascertained in the context of this evaluation (PMID: 26762237, 11348475, 23096117). One submitter has cited clinical-significance assessments for this variant to ClinVar after 2014 and has classified the variant as likely pathogenic. Based on the evidence outlined above, the variant was classified as likely pathogenic.

Genetics and Molecular Pathology, SA Pathology
Classification: Likely pathogenic for Autosomal recessive congenital ichthyosis 1. Last evaluated: 2022-07-04. Review status: criteria provided, single submitter. Criteria: ACMG Guidelines, 2015. Collection method: clinical testing. Allele origin: germline. Inheritance: Autosomal recessive inheritance. Affected: yes.
Comment: The TGM1 c.814T>C variant is classified as LIKELY PATHOGENIC (PM2, PP4, PM3_Strong). This variant is a single nucleotide change in exon 5/15 of the TGM1 gene, which is predicted to change the amino acid serine at position 272 in the protein to proline. This variant is located in protein domains of the TGM1 gene. This variant has been reported in an individual with lamellar ichthyosis in compound heterozygous state (confirmed in trans) (PMID: 11348475). Parental segregation testing has shown that these variants are in trans (PM3_Strong). This variant has been reported in dbSNP (rs764040146) but is rare in population databases (gnomAD: 1/125717, 0 homozygote) (PM2). This variant has not been reported in ClinVar. This variant has been reported in HGMD (Accession no.: CM012195) as disease causing. Computational predictions are conflicting. Patient's phenotype is highly specific for the TGM1 gene (PP4).

Literature cited by the submitters: PubMed 23096117 (cited by Natera, Inc. and Women's Health and Genetics/Laboratory Corporation of America, LabCorp); PubMed 26762237 (cited by Natera, Inc. and Women's Health and Genetics/Laboratory Corporation of America, LabCorp); PubMed 11348475 (cited by 3 submitters).

NM_000359.3(TGM1):c.814T>C (p.Ser272Pro)

Gene: TGM1 (transglutaminase 1; minus strand). Cytogenetic location: 14q12.
Variant type: single nucleotide variant.
Coding change: c.814T>C on transcript NM_000359.3 (MANE Select); coding-DNA position 814, T replaced by C.
Protein change: p.Ser272Pro; replaces serine 272 with proline.
Molecular consequence: missense variant.
Genome position (GRCh38, 1-based): chr14:24,260,002, A>G on the plus strand (T>C on the coding strand, the complement: TGM1 is on the minus strand). VCF-style: chr14-24260002-A-G. GRCh37 (hg19) VCF-style: chr14-24729208-A-G.
Other names: c.814T>C (NM_000359.2); short protein forms S272P.
Identifiers: ClinVar variation 1698877 (VCV001698877.5), dbSNP rs764040146, ClinGen allele CA7131276.
Genomic context (GRCh38, chr14:24,260,002, plus strand): 5'-GGCCGTAGTTCCAGGTCCGCTCACCAATCTGTGCTTCGGTCCCGTAGTAAATTCTCCCAG[A>G]CTCATTAAGAACATACTCCTGCCGCCAATCCTCATGGTCCACGTACACAATGTCCTCTGT-3'
Protein context (NP_000350.1, residues 262-282): DWRQEYVLNE[Ser272Pro]GRIYYGTEAQ